The following is an entry in ClinVar:

NM_001360.3(DHCR7):c.452G>A (p.Trp151Ter)

Gene: DHCR7 (7-dehydrocholesterol reductase; minus strand). Cytogenetic location: 11q13.4.
Variant type: single nucleotide variant.
Coding change: c.452G>A on transcript NM_001360.3 (MANE Select); coding-DNA position 452, G replaced by A.
Protein change: p.Trp151Ter; replaces tryptophan 151 with a stop codon.
Molecular consequence: nonsense.
Genome position (GRCh38, 1-based): chr11:71,441,401, C>T on the plus strand (G>A on the coding strand, the complement: DHCR7 is on the minus strand). VCF-style: chr11-71441401-C-T. GRCh37 (hg19) VCF-style: chr11-71152447-C-T.
Other names: c.452G>A, p.Trp151Ter (NM_001163817.2); short protein forms W151*.
Identifiers: ClinVar variation 21273 (VCV000021273.110), dbSNP rs11555217, ClinGen allele CA221671.
Genomic context (GRCh38, chr11:71,441,401, plus strand): 5'-GTGGGCGAGAACCAGGACAGGAGATGAGCGTTTGCAAACCAGAGCAGGTGCGTGAGGAGC[C>T]AGGCTTGCAGGCCATTGATCTGATACTTGTTCACAACCCCTGCAGATGAAGGATTCAGAA-3'

ClinVar aggregate classification (germline): Pathogenic/Likely pathogenic. Review status: criteria provided, multiple submitters, no conflicts (2 of 4 stars). 49 submissions from 48 submitters: Pathogenic (44); Likely pathogenic (1). 4 of the submissions do not count toward it. Last evaluated 2026-09-22.

Conditions:
DHCR7-related disorder. Also called: DHCR7-related condition.
Inborn genetic diseases. Identifiers: MedGen C0950123, MeSH D030342.
Smith-Lemli-Opitz syndrome (SLOS). Also called: LETHAL ACRODYSGENITAL SYNDROME; POLYDACTYLY, SEX REVERSAL, RENAL HYPOPLASIA, AND UNILOBAR LUNG; RSH SYNDROME; RUTLEDGE LETHAL MULTIPLE CONGENITAL ANOMALY SYNDROME; 7-Dehydrocholesterol reductase deficiency. Identifiers: Orphanet 818, MedGen C0175694, MONDO:0010035, OMIM 270400.
2-3 toe syndactyly. Identifiers: MedGen C4551570, HP:0004691.
Primary microcephaly. Also called: Congenital microcephaly. Identifiers: MedGen C2677180, HP:0011451.
Small for gestational age. Also called: Low birth weight. Identifiers: MedGen C0235991, HP:0001518.
Elevated circulating 7-dehydrocholesterol concentration. Also called: Elevated 7-dehydrocholesterol. Identifiers: MedGen C1849185, HP:0010569.

Allele frequency attached by ClinVar (database versions not stated): gnomAD 0.00068 and 0.00072; gnomAD exomes 0.00077; TOPMed 0.00063; ExAC 0.00068.
gnomAD v4.1: 1,147 of 1,613,916 alleles (0.071%); highest among the groups gnomAD compares: Non-Finnish European, 0.09%; no homozygotes.

Submissions 1 to 11 of 49:

PreventionGenetics, part of Exact Sciences
Classification: Pathogenic for DHCR7-related condition. Last evaluated: 2026-09-22. Review status: criteria provided, single submitter. Criteria: ACMG Guidelines, 2015. Collection method: clinical testing. Allele origin: germline.
Comment: The DHCR7 c.452G>A variant is predicted to result in premature protein termination (p.Trp151*). This variant has been reported to be causative for Smith-Lemli-Opitz syndrome (SLOS) (Fitzky et al. 1998. PubMed ID: 9653161; Witsch-Baumgartner et al. 2001. PubMed ID: 11175299; Waterham and Hennekam. 2012. PubMed ID: 23042628). It is one of the most commonly reported causative DHCR7 variants among affected individuals of European descent (Witsch-Baumgartner et al. 2001. PubMed ID: 11175299; Ciara et al. 2006. PubMed ID: 16497572; Witsch-Baumgartner et al. 2008. PubMed ID: 17965227). This variant is reported in 0.14% of alleles in individuals of European (non-Finnish) descent in gnomAD. Nonsense variants in DHCR7 are expected to be pathogenic. This variant is interpreted as pathogenic.

Wales Gene Park, Division Of Cancer and Genetics, Cardiff University
Classification: Pathogenic for Smith-Lemli-Opitz syndrome. Last evaluated: 2026-04-28. Review status: criteria provided, single submitter. Criteria: ACGS Best Practice Guidelines for Variant Classification in Rare Disease 2024. Collection method: research. Allele origin: inherited. Inheritance: Autosomal recessive inheritance. Study: 100,000 Genomes Project (Wales).
Comment: Inherited DHCR7 nonsense variant detected by trio genome sequencing. This variant has been found homozygous or compound heterozygous with other DHCR7 variants in individuals with features consistent with Smith-Lemli-Opitz syndrome. Functional studies demonstrated an absence of protein and loss of enzyme activity. Evidence codes: PVS1, PS3, PM3.

Labcorp Genetics (formerly Invitae), Labcorp
Classification: Pathogenic for Smith-Lemli-Opitz syndrome. Last evaluated: 2026-02-04. Review status: criteria provided, single submitter. Criteria: Invitae Variant Classification Sherloc (09022015). Collection method: clinical testing. Allele origin: germline.
Comment: This sequence change creates a premature translational stop signal (p.Trp151*) in the DHCR7 gene. It is expected to result in an absent or disrupted protein product. Loss-of-function variants in DHCR7 are known to be pathogenic (PMID: 9634533, 10677299). This variant is present in population databases (rs11555217, gnomAD 0.1%), and has an allele count higher than expected for a pathogenic variant. This premature translational stop signal has been observed in individuals with Smith-Lemli-Opitz syndrome (PMID: 9653161, 11078571, 11175299, 15521979, 16497572, 17965227, 19390132). ClinVar contains an entry for this variant (Variation ID: 21273). For these reasons, this variant has been classified as Pathogenic.

OLLIN Analises Genomicas, OLLIN
Classification: Pathogenic for Smith-Lemli-Opitz syndrome. Last evaluated: 2026-01-30. Review status: criteria provided, single submitter. Criteria: ACMG Guidelines 2015 PMID 25741868. Collection method: clinical testing. Allele origin: germline. Affected: yes. Observed: 2 variant alleles.
Comment: The nonsense variant (chr11:71441401C>T), located in exon 6 (of 9), is reported in ClinVar (VCV000021273.96), in gnomAD v4.1 non-UKB with an allele frequency of 0.103%, and in the scientific literature in individuals with Smith-Lemli-Opitz syndrome (PMID: 9653161, 11078571, 11175299, 15521979, 16497572, 17965227, 19390132). This variant introduces a premature stop codon, resulting in a truncated protein or mRNA degradation via nonsense-mediated decay (NMD). According to currently available evidence, this variant has been classified as pathogenic (PVS1, PS4, PM2_P, PM3_VS).

CeGaT Center for Human Genetics Tuebingen
Classification: Pathogenic. Last evaluated: 2025-12-01. Review status: criteria provided, single submitter. Criteria: CeGaT Center For Human Genetics Tuebingen Variant Classification Criteria Version 2. Collection method: clinical testing. Allele origin: germline. Affected: yes. Observed: 33 variant alleles.
Comment: DHCR7: PM3:Very Strong, PVS1, PM2

Natera, Inc.
Classification: Pathogenic for Smith-Lemli-Opitz syndrome. Last evaluated: 2025-11-07. Review status: criteria provided, single submitter. Criteria: Natera Variant Classification Schema (03/2026). Collection method: clinical testing. Allele origin: germline.
Comment: The c.452G>A variant in DHCR7 is a nonsense variant predicted to introduce a stop codon at amino acid 151. This variant is expected to result in nonsense mediated decay, truncation, or a dysfunctional protein product. This variant is rare in the general population with a frequency below the threshold expected for the associated phenotype(s). This variant has been observed in one or more individuals affected with the associated recessive disease, as either homozygous or compound heterozygous with a second variant (PMID: 9653161). Given the available evidence, this variant is classified as Pathogenic.

Otogenetics
Classification: Pathogenic for Smith-Lemli-Opitz syndrome. Last evaluated: 2025-10-13. Review status: criteria provided, single submitter. Criteria: ACMG Guidelines, 2015. Collection method: clinical testing. Allele origin: germline.
Comment: PVS1: Stop gain variant introduces premature stop codon in gene with loss of function as mechanism of disease, predicted to undergo NMD; PM2: Maximum gnomAD MAF of 0.142% in European-Non Finnish (NFE) subpopulation (<0.142% threshold); PM3_VeryStrong: Variant reported in trans with over five other pathogenic variants in more than ten patients affected with Smith-Lemli-Opitz syndrome (PMID: 15805162, 19390132)

Mayo Clinic Laboratories, Mayo Clinic
Classification: Pathogenic. Last evaluated: 2025-07-27. Review status: criteria provided, single submitter. Criteria: ACMG Guidelines, 2015. Collection method: clinical testing. Allele origin: germline. Observed: 2 variant alleles.
Comment: PM3_very_strong, PS3_moderate, PVS1

Clinical Genomics Laboratory, Washington University in St. Louis
Classification: Pathogenic for Smith-Lemli-Opitz syndrome. Last evaluated: 2025-07-23. Review status: criteria provided, single submitter. Criteria: ACMG Guidelines, 2015. Collection method: clinical testing. Allele origin: germline. Affected: yes.
Comment: The DHCR7 c.452G>A (p.Trp151*) variant has been reported as one of the most common variants in affected individuals with Smith-Lemli-Opitz syndrome in some cohorts (Jezela-Stanek A et al., PMID: 20556518). Of those individuals, several were compound heterozygous for the variant and a pathogenic or likely pathogenic variant (Correa-Cerro LS et al., PMID: 15805162; Fitzky BU et al., PMID: 9653161; Witsch-Baumgartner M et al., PMID: 10677299). At least six individuals were homozygous for the variant, presenting with a more severe phenotype (Jezela-Stanek A et al., PMID: 20556518; ; Löffler J et al., PMID: 11078571; Witsch-Baumgartner M et al., PMID: 10677299). This variant leads to a premature termination codon, which is predicted to result in nonsense-mediated decay. The highest population minor allele frequency in the Genome Aggregation Database (v2.1.1) is 0.0869% in the Ashkenazi Jewish population. This variant has been reported in the ClinVar database as a germline pathogenic variant by thirty-two submitters and as a likely pathogenic variant by one submitter. Based on available information and the ACMG/AMP guidelines for variant interpretation (Richards S et al., PMID: 25741868), this variant is classified as pathogenic.

First Genomix Gene Laboratory, Genetic Diagnostics Department
Classification: Pathogenic for Smith-Lemli-Opitz syndrome. Last evaluated: 2025-07-16. Review status: criteria provided, single submitter. Criteria: ACMG Guidelines, 2015. Collection method: clinical testing. Allele origin: germline. Inheritance: Autosomal recessive inheritance. Affected: no. Observed: 1 variant allele.

3billion
Classification: Pathogenic for Smith-Lemli-Opitz syndrome. Last evaluated: 2025-07-14. Review status: criteria provided, single submitter. Criteria: ACMG Guidelines, 2015. Collection method: clinical testing. Allele origin: germline. Affected: yes.
Comment: The variant is observed at an extremely low frequency in the gnomAD v4.1.0 dataset (total allele frequency: 0.071%). Predicted Consequence/Location: Stop-gained (nonsense): predicted to result in a loss or disruption of normal protein function through nonsense-mediated decay (NMD) or protein truncation. Multiple pathogenic variants are reported downstream of the variant. The variant has been reported at least twice as pathogenic with clinical assertions and evidence for the classification (ClinVar ID: VCV000021273 /PMID: 9653161 /3billion dataset). Therefore, this variant is classified as Pathogenic according to the recommendation of ACMG/AMP guideline.